The following is an entry in ClinVar:

NM_020987.5(ANK3):c.5219C>T (p.Thr1740Met)

Gene: ANK3 (ankyrin 3; minus strand). Cytogenetic location: 10q21.2.
Variant type: single nucleotide variant.
Coding change: c.5219C>T on transcript NM_020987.5 (MANE Select); coding-DNA position 5219, C replaced by T.
Protein change: p.Thr1740Met; replaces threonine 1740 with methionine.
Molecular consequence: missense variant. On other transcripts: intron variant (4).
Genome position (GRCh38, 1-based): chr10:60,075,662, G>A on the plus strand (C>T on the coding strand, the complement: ANK3 is on the minus strand). VCF-style: chr10-60075662-G-A. GRCh37 (hg19) VCF-style: chr10-61835420-G-A.
Other names: c.4387+4875C>T (NM_001204403.2); c.4408+4875C>T (NM_001204404.2); c.4405+4875C>T (NM_001320874.2); c.1807+4875C>T (NM_001149.4); short protein forms T1740M.
Identifiers: ClinVar variation 1375330 (VCV001375330.6), dbSNP rs1049503720, ClinGen allele CA207325712.

ClinVar aggregate classification (germline): Uncertain significance (1 of 4 stars; one submission).

Allele frequency attached by ClinVar (database versions not stated): gnomAD exomes 0.00001.
gnomAD v4.1: 13 of 1,613,986 alleles (0.00081%); highest among the groups gnomAD compares: East Asian, 0.0022%; 1 homozygote.

Submission:

Labcorp Genetics (formerly Invitae), Labcorp
Classification: Uncertain significance. Last evaluated: 2024-05-15. Review status: criteria provided, single submitter. Criteria: Invitae Variant Classification Sherloc (09022015). Collection method: clinical testing. Allele origin: germline.
Comment: This sequence change replaces threonine with methionine at codon 1740 of the ANK3 protein (p.Thr1740Met). The threonine residue is weakly conserved and there is a moderate physicochemical difference between threonine and methionine. This variant is present in population databases (no rsID available, gnomAD 0.02%), including at least one homozygous and/or hemizygous individual. This variant has not been reported in the literature in individuals affected with ANK3-related conditions. ClinVar contains an entry for this variant (Variation ID: 1375330). Advanced modeling of protein sequence and biophysical properties (such as structural, functional, and spatial information, amino acid conservation, physicochemical variation, residue mobility, and thermodynamic stability) performed at Invitae indicates that this missense variant is not expected to disrupt ANK3 protein function with a negative predictive value of 80%. In summary, the available evidence is currently insufficient to determine the role of this variant in disease. Therefore, it has been classified as a Variant of Uncertain Significance.